The following is an entry in ClinVar:

NM_020822.3(KCNT1):c.3608C>A (p.Pro1203His)

Gene: KCNT1 (potassium sodium-activated channel subfamily T member 1; plus strand). Cytogenetic location: 9q34.3.
Variant type: single nucleotide variant.
Coding change: c.3608C>A on transcript NM_020822.3 (MANE Select); coding-DNA position 3608, C replaced by A.
Protein change: p.Pro1203His; replaces proline 1203 with histidine.
Molecular consequence: missense variant.
Genome position (GRCh38, 1-based): chr9:135,792,061, C>A. VCF-style: chr9-135792061-C-A. GRCh37 (hg19) VCF-style: chr9-138683907-C-A.
Other names: c.3536C>A, p.Pro1179His (NM_001272003.2); short protein forms P1203H, P1179H.
Identifiers: ClinVar variation 473393 (VCV000473393.1), dbSNP rs762025166, ClinGen allele CA5328001.

ClinVar aggregate classification (germline): Uncertain significance (1 of 4 stars; one submission).

Conditions:
Autosomal dominant nocturnal frontal lobe epilepsy 5. Also called: Epilepsy, nocturnal frontal lobe, 5; CILIARY DYSKINESIA, PRIMARY, 28, WITHOUT SITUS INVERSUS; CILIARY DYSKINESIA, PRIMARY, 28, WITH SITUS INVERSUS; KCNT1-Related Epilepsy. Identifiers: Orphanet 98784, MedGen C3554306, MONDO:0014002, OMIM 615005.
Developmental and epileptic encephalopathy, 14 (DEE14). Also called: Early infantile epileptic encephalopathy 14. Identifiers: Orphanet 293181, MedGen C3554195, MONDO:0013989, OMIM 614959.

Allele frequency attached by ClinVar (database versions not stated): ExAC 0.00003.
gnomAD v4.1: 6 of 1,604,462 alleles (0.00037%); highest among the groups gnomAD compares: Non-Finnish European, 0.00051%; no homozygotes.

Submission:

Labcorp Genetics (formerly Invitae), Labcorp
Classification: Uncertain significance for Autosomal dominant nocturnal frontal lobe epilepsy 5; Developmental and epileptic encephalopathy, 14. Last evaluated: 2017-01-26. Review status: criteria provided, single submitter. Criteria: Invitae Variant Classification Sherloc (09022015). Collection method: clinical testing. Allele origin: germline.
Comment: This sequence change replaces proline with histidine at codon 1203 of the KCNT1 protein (p.Pro1203His). The proline residue is moderately conserved and there is a moderate physicochemical difference between proline and histidine. This variant is present in population databases (rs762025166, ExAC 0.005%) but has not been reported in the literature in individuals with a KCNT1-related disease. Algorithms developed to predict the effect of missense changes on protein structure and function do not agree on the potential impact of this missense change (SIFT: "Deleterious"; PolyPhen-2: "Probably Damaging"; Align-GVGD: "Class C0"). In summary, this variant is a rare missense change with uncertain impact on protein function. There is no indication that it causes disease, but the available evidence is currently insufficient to prove that conclusively. Therefore, it has been classified as a Variant of Uncertain Significance.